The following is an entry in ClinVar:

NM_020884.7(MYH7B):c.4388G>A (p.Arg1463Gln)

Gene: MYH7B (myosin heavy chain 7B; plus strand). Cytogenetic location: 20q11.22.
Variant type: single nucleotide variant.
Coding change: c.4388G>A on transcript NM_020884.7 (MANE Select); coding-DNA position 4388, G replaced by A.
Protein change: p.Arg1463Gln; replaces arginine 1463 with glutamine.
Molecular consequence: missense variant.
Genome position (GRCh38, 1-based): chr20:34,999,253, G>A. VCF-style: chr20-34999253-G-A. GRCh37 (hg19) VCF-style: chr20-33587056-G-A.
Other names: c.4514G>A (NM_020884.3, NM_020884.4); short protein forms R1463Q.
Identifiers: ClinVar variation 1517409 (VCV001517409.8), dbSNP rs567417872, ClinGen allele CA9828092.
Genomic context (GRCh38, chr20:34,999,253, plus strand): 5'-CCTCAGCAGCTGCTGCGCTGGACAAGAAGCAGCGGCACTTGGAACGGGCACTGGAGGAAC[G>A]GCGGCGGCAGGAGGAGGAGATGCAGCGGGAGCTGGAGGCGGCACAGAGGGAGTCCCGTGG-3'
Protein context (NP_065935.4, residues 1453-1473): QRHLERALEE[Arg1463Gln]RRQEEEMQRE

ClinVar aggregate classification (germline): Uncertain significance. Review status: criteria provided, multiple submitters, no conflicts (2 of 4 stars). 3 submissions from 3 submitters: Uncertain significance (3). Last evaluated 2026-04-07.

Conditions:
MYH7B-related disorder. Also called: MYH7B-related condition.

Allele frequency attached by ClinVar (database versions not stated): gnomAD 0.00001 and 0.00005; TOPMed 0.00002; gnomAD exomes 0.00015; ExAC 0.00024.
gnomAD v4.1: 101 of 1,603,108 alleles (0.0063%); highest among the groups gnomAD compares: South Asian, 0.087%; 2 homozygotes.

Submissions (3):

PreventionGenetics, part of Exact Sciences
Classification: Uncertain significance for MYH7B-related condition. Last evaluated: 2026-04-07. Review status: criteria provided, single submitter. Criteria: ACMG Guidelines, 2015. Collection method: clinical testing. Allele origin: germline.
Comment: The MYH7B c.4514G>A variant is predicted to result in the amino acid substitution p.Arg1505Gln. To our knowledge, this variant has not been reported in the literature. This variant is reported in 0.087% of alleles in individuals of South Asian descent in gnomAD. Although we suspect that this variant may be benign, at this time, the clinical significance of this variant is uncertain due to the absence of conclusive functional and genetic evidence.

Labcorp Genetics (formerly Invitae), Labcorp
Classification: Uncertain significance. Last evaluated: 2025-02-26. Review status: criteria provided, single submitter. Criteria: Invitae Variant Classification Sherloc (09022015). Collection method: clinical testing. Allele origin: germline.
Comment: This sequence change replaces arginine, which is basic and polar, with glutamine, which is neutral and polar, at codon 1505 of the MYH7B protein (p.Arg1505Gln). This variant is present in population databases (rs567417872, gnomAD 0.09%), and has an allele count higher than expected for a pathogenic variant. This variant has not been reported in the literature in individuals affected with MYH7B-related conditions. ClinVar contains an entry for this variant (Variation ID: 1517409). Invitae Evidence Modeling of protein sequence and biophysical properties (such as structural, functional, and spatial information, amino acid conservation, physicochemical variation, residue mobility, and thermodynamic stability) indicates that this missense variant is not expected to disrupt MYH7B protein function with a negative predictive value of 80%. In summary, the available evidence is currently insufficient to determine the role of this variant in disease. Therefore, it has been classified as a Variant of Uncertain Significance.

Ambry Genetics
Classification: Uncertain significance. Last evaluated: 2023-11-07. Review status: criteria provided, single submitter. Criteria: Ambry Variant Classification Scheme 2023. Collection method: clinical testing. Allele origin: germline.